The following is an entry in ClinVar:

ClinVar aggregate classification (germline): Uncertain significance (1 of 4 stars; one submission).

Submission:

Labcorp Genetics (formerly Invitae), Labcorp
Classification: Uncertain significance. Last evaluated: 2024-09-06. Review status: criteria provided, single submitter. Criteria: Invitae Variant Classification Sherloc (09022015). Collection method: clinical testing. Allele origin: germline.
Comment: This sequence change replaces threonine, which is neutral and polar, with arginine, which is basic and polar, at codon 188 of the POLE protein (p.Thr188Arg). This variant is not present in population databases (gnomAD no frequency). This variant has not been reported in the literature in individuals affected with POLE-related conditions. Invitae Evidence Modeling of protein sequence and biophysical properties (such as structural, functional, and spatial information, amino acid conservation, physicochemical variation, residue mobility, and thermodynamic stability) indicates that this missense variant is not expected to disrupt POLE protein function with a negative predictive value of 80%. In summary, the available evidence is currently insufficient to determine the role of this variant in disease. Therefore, it has been classified as a Variant of Uncertain Significance.

NM_006231.4(POLE):c.563C>G (p.Thr188Arg)

Gene: POLE (DNA polymerase epsilon, catalytic subunit; minus strand). Cytogenetic location: 12q24.33.
Variant type: single nucleotide variant.
Coding change: c.563C>G on transcript NM_006231.4 (MANE Select); coding-DNA position 563, C replaced by G.
Protein change: p.Thr188Arg; replaces threonine 188 with arginine.
Molecular consequence: missense variant.
Genome position (GRCh38, 1-based): chr12:132,679,512, G>C on the plus strand (C>G on the coding strand, the complement: POLE is on the minus strand). VCF-style: chr12-132679512-G-C. GRCh37 (hg19) VCF-style: chr12-133256098-G-C.
Other names: short protein forms T188R.
Identifiers: ClinVar variation 2745598 (VCV002745598.3), dbSNP rs1565979672, ClinGen allele CA387366681.
Genomic context (GRCh38, chr12:132,679,512, plus strand): 5'-GTCGTTCTGAACCGCTGATGCTTTGCTCACAAGACCAAAGTTTACCTGGAAAGCAGAGCT[G>C]TGTACGCGTCGCTGGCGTGATCCTGCTCCCTGTTCTTCTTCACGGCAGGGGAGATCTCCT-3'
Protein context (NP_006222.2, residues 178-198): REQDHASDAY[Thr188Arg]ALLSSVLQRG